The following is an entry in ClinVar:

NM_206933.4(USH2A):c.12967C>T (p.Leu4323Phe)

Gene: USH2A (usherin; minus strand). Cytogenetic location: 1q41.
Variant type: single nucleotide variant.
Coding change: c.12967C>T on transcript NM_206933.4 (MANE Select); coding-DNA position 12967, C replaced by T.
Protein change: p.Leu4323Phe; replaces leucine 4323 with phenylalanine.
Molecular consequence: missense variant.
Genome position (GRCh38, 1-based): chr1:215,674,944, G>A on the plus strand (C>T on the coding strand, the complement: USH2A is on the minus strand). VCF-style: chr1-215674944-G-A. GRCh37 (hg19) VCF-style: chr1-215848286-G-A.
Other names: short protein forms L4323F.
Identifiers: ClinVar variation 949836 (VCV000949836.6), dbSNP rs750512832, ClinGen allele CA1393379.
Genomic context (GRCh38, chr1:215,674,944, plus strand): 5'-TGGAGCATCCTCCACTCGTGCAGGCTTGGAGTGCATAGCTATAGGTGGAAAAAGGAAGAA[G>A]CTCTTCATCAGTGTAATTGAAAGTCACAGGATCAAAGCTAAAAGGATAGAGCATTTCATT-3'
Protein context (NP_996816.3, residues 4313-4333): PVTFNYTDEE[Leu4323Phe]LPFSTYSYAL

ClinVar aggregate classification (germline): Uncertain significance. Review status: criteria provided, multiple submitters, no conflicts (2 of 4 stars). 6 submissions from 5 submitters: Uncertain significance (5). 1 of the submissions does not count toward it. Last evaluated 2023-11-04.

Conditions:
Retinitis pigmentosa 39 (RP39). Identifiers: Orphanet 791, MedGen C3151138, MONDO:0013436, OMIM 613809.
Usher syndrome type 2A. Also called: RETINAL DISEASE IN USHER SYNDROME TYPE IIA, MODIFIER OF; USHER SYNDROME, TYPE IIA. Identifiers: Orphanet 231178, Orphanet 886, MedGen C1848634, MONDO:0010169, OMIM 276901.

Allele frequency attached by ClinVar (database versions not stated): ExAC 0.00001; gnomAD 0.00001; gnomAD exomes 0.00001 and 0.00002; TOPMed 0.00001.
gnomAD v4.1: 14 of 1,614,046 alleles (0.00087%); highest among the groups gnomAD compares: Admixed American, 0.0067%; no homozygotes.

Submissions (6):

Genome-Nilou Lab
Classification: Uncertain significance for Retinitis pigmentosa 39. Last evaluated: 2023-11-04. Review status: criteria provided, single submitter. Criteria: ACMG Guidelines, 2015. Collection method: clinical testing. Allele origin: germline. Affected: no.

Genome-Nilou Lab
Classification: Uncertain significance for Usher syndrome type 2A. Last evaluated: 2023-11-04. Review status: criteria provided, single submitter. Criteria: ACMG Guidelines, 2015. Collection method: clinical testing. Allele origin: germline. Affected: no.

Labcorp Genetics (formerly Invitae), Labcorp
Classification: Uncertain significance. Last evaluated: 2022-06-13. Review status: criteria provided, single submitter. Criteria: Invitae Variant Classification Sherloc (09022015). Collection method: clinical testing. Allele origin: germline.
Comment: This sequence change replaces leucine, which is neutral and non-polar, with phenylalanine, which is neutral and non-polar, at codon 4323 of the USH2A protein (p.Leu4323Phe). This variant is present in population databases (rs750512832, gnomAD 0.006%). This variant has not been reported in the literature in individuals affected with USH2A-related conditions. ClinVar contains an entry for this variant (Variation ID: 949836). Algorithms developed to predict the effect of missense changes on protein structure and function are either unavailable or do not agree on the potential impact of this missense change (SIFT: "Deleterious"; PolyPhen-2: "Probably Damaging"; Align-GVGD: "Class C15"). In summary, the available evidence is currently insufficient to determine the role of this variant in disease. Therefore, it has been classified as a Variant of Uncertain Significance.

Blueprint Genetics
Classification: Uncertain significance. Last evaluated: 2021-12-01. Review status: criteria provided, single submitter. Criteria: ACMG Guidelines, 2015. Collection method: clinical testing. Allele origin: germline.

Fulgent Genetics
Classification: Uncertain significance for Usher syndrome type 2A; Retinitis pigmentosa 39. Last evaluated: 2021-11-12. Review status: criteria provided, single submitter. Criteria: ACMG Guidelines, 2015. Collection method: clinical testing. Allele origin: unknown.

Natera, Inc.
Classification: Uncertain significance for Usher syndrome type 2A. Last evaluated: 2020-04-20. Review status: no assertion criteria provided. Collection method: clinical testing. Allele origin: germline. Not counted in ClinVar's aggregate classification.